The following is an entry in ClinVar:

NM_001035.3(RYR2):c.8168A>G (p.Lys2723Arg)

Gene: RYR2 (ryanodine receptor 2; plus strand). Cytogenetic location: 1q43.
Variant type: single nucleotide variant.
Coding change: c.8168A>G on transcript NM_001035.3 (MANE Select); coding-DNA position 8168, A replaced by G.
Protein change: p.Lys2723Arg; replaces lysine 2723 with arginine.
Molecular consequence: missense variant.
Genome position (GRCh38, 1-based): chr1:237,657,982, A>G. VCF-style: chr1-237657982-A-G. GRCh37 (hg19) VCF-style: chr1-237821282-A-G.
Other names: short protein forms K2723R.
Identifiers: ClinVar variation 2774337 (VCV002774337.3), dbSNP rs1329059135, ClinGen allele CA345401195.

ClinVar aggregate classification (germline): Uncertain significance. Review status: criteria provided, multiple submitters, no conflicts (2 of 4 stars). 2 submissions from 2 submitters: Uncertain significance (2). Last evaluated 2024-03-07.

Conditions:
Cardiomyopathy (CMYO). Also called: Cardiomyopathies. Identifiers: Orphanet 167848, MedGen C0878544, MONDO:0004994, HP:0001638. Inheritance: Various modes of inheritance.
Catecholaminergic polymorphic ventricular tachycardia (CVPT). Also called: Catecholamine-induced polymorphic ventricular tachycardia. Identifiers: Orphanet 3286, MedGen C5574922, MONDO:0017990.

Allele frequency attached by ClinVar (database versions not stated): gnomAD exomes below 0.00001.
gnomAD v4.1: 1 of 1,521,064 alleles (0.000066%); highest among the groups gnomAD compares: East Asian, 0.0026%; no homozygotes.

Submissions (2):

Color Diagnostics, LLC DBA Color Health
Classification: Uncertain significance for Cardiomyopathy. Last evaluated: 2024-03-07. Review status: criteria provided, single submitter. Criteria: ACMG Guidelines, 2015. Collection method: clinical testing. Allele origin: germline.
Comment: This missense variant replaces lysine with arginine at codon 2723 of the RYR2 protein. Computational prediction suggests that this variant may not impact protein structure and function (internally defined REVEL score threshold <= 0.5, PMID: 27666373). To our knowledge, functional studies have not been reported for this variant. This variant has not been reported in individuals affected with cardiovascular disorders in the literature. This variant has not been identified in the general population by the Genome Aggregation Database (gnomAD). The available evidence is insufficient to determine the role of this variant in disease conclusively. Therefore, this variant is classified as a Variant of Uncertain Significance.

All of Us Research Program, National Institutes of Health
Classification: Uncertain significance for Catecholaminergic polymorphic ventricular tachycardia. Last evaluated: 2023-04-03. Review status: criteria provided, single submitter. Criteria: ACMG Guidelines, 2015. Collection method: clinical testing. Allele origin: germline. Inheritance: Autosomal dominant inheritance. Observed: 1 variant allele, 1 heterozygote.
Comment: This missense variant replaces lysine with arginine at codon 2723 of the RYR2 protein. Computational prediction suggests that this variant may not impact protein structure and function (internally defined REVEL score threshold <= 0.5, PMID: 27666373). To our knowledge, functional studies have not been reported for this variant. This variant has not been reported in individuals affected with cardiovascular disorders in the literature. This variant has not been identified in the general population by the Genome Aggregation Database (gnomAD). The available evidence is insufficient to determine the role of this variant in disease conclusively. Therefore, this variant is classified as a Variant of Uncertain Significance.

This study involves interpretation of variants in research participants for the purpose of population health screening. Participant phenotype was not available at the time of variant classification. Additional details can be found in publication PMID: 35346344, PMCID: PMC8962531